The following is an entry in ClinVar:

NM_145068.4(TRPV3):c.73A>G (p.Ile25Val)

Gene: TRPV3 (transient receptor potential cation channel subfamily V member 3; minus strand). Cytogenetic location: 17p13.2.
Variant type: single nucleotide variant.
Coding change: c.73A>G on transcript NM_145068.4 (MANE Select); coding-DNA position 73, A replaced by G.
Protein change: p.Ile25Val; replaces isoleucine 25 with valine.
Molecular consequence: missense variant.
Genome position (GRCh38, 1-based): chr17:3,554,778, T>C on the plus strand (A>G on the coding strand, the complement: TRPV3 is on the minus strand). VCF-style: chr17-3554778-T-C. GRCh37 (hg19) VCF-style: chr17-3458072-T-C.
Other names: c.73A>G, p.Ile25Val (NM_001258205.2); short protein forms I25V.
Identifiers: ClinVar variation 322799 (VCV000322799.20), dbSNP rs322965, ClinGen allele CA8290033.

ClinVar aggregate classification (germline): Benign. Review status: criteria provided, multiple submitters, no conflicts (2 of 4 stars). 7 submissions from 6 submitters: Benign (7). Last evaluated 2026-02-04.

Conditions:
Isolated focal non-epidermolytic palmoplantar keratoderma. Also called: Palmoplantar keratoderma, nonepidermolytic, focal 2. Identifiers: Orphanet 448264, MedGen C4225339, MONDO:0014622, OMIM 616400.
Olmsted syndrome 1. Identifiers: Orphanet 659, MedGen C5542829, MONDO:0100296, OMIM 614594.

Allele frequency attached by ClinVar (database versions not stated): 1000 Genomes Project 0.99720; ESP Exome Variant Server 0.99800; TOPMed 0.99826; gnomAD 0.99860; ExAC 0.99943; gnomAD exomes 0.99952.
gnomAD v4.1: 1,612,382 of 1,612,910 alleles (100%); highest among the groups gnomAD compares: South Asian, 100%; 805,928 homozygotes.

Submissions (7):

Labcorp Genetics (formerly Invitae), Labcorp
Classification: Benign. Last evaluated: 2026-02-04. Review status: criteria provided, single submitter. Criteria: Invitae Variant Classification Sherloc (09022015). Collection method: clinical testing. Allele origin: germline.

Blueprint Genetics
Classification: Benign. Last evaluated: 2024-11-28. Review status: criteria provided, single submitter. Criteria: ACMG Guidelines, 2015. Collection method: clinical testing. Allele origin: germline.

Genome-Nilou Lab
Classification: Benign for Isolated focal non-epidermolytic palmoplantar keratoderma. Last evaluated: 2021-09-10. Review status: criteria provided, single submitter. Criteria: ACMG Guidelines, 2015. Collection method: clinical testing. Allele origin: germline. Affected: no.

Genome-Nilou Lab
Classification: Benign for Olmsted syndrome 1. Last evaluated: 2021-09-10. Review status: criteria provided, single submitter. Criteria: ACMG Guidelines, 2015. Collection method: clinical testing. Allele origin: germline. Affected: no.

GeneDx
Classification: Benign. Last evaluated: 2021-04-26. Review status: criteria provided, single submitter. Criteria: GeneDx Variant Classification Process June 2021. Collection method: clinical testing. Allele origin: germline. Affected: yes.

Illumina Laboratory Services, Illumina
Classification: Benign for Isolated focal non-epidermolytic palmoplantar keratoderma. Last evaluated: 2018-01-12. Review status: criteria provided, single submitter. Criteria: ICSL Variant Classification Criteria 13 December 2019. Collection method: clinical testing. Allele origin: germline.
Comment: This variant was observed in the ICSL laboratory as part of a predisposition screen in an ostensibly healthy population. It had not been previously curated by ICSL or reported in the Human Gene Mutation Database (HGMD: prior to June 1st, 2018), and was therefore a candidate for classification through an automated scoring system. Utilizing variant allele frequency, disease prevalence and penetrance estimates, and inheritance mode, an automated score was calculated to assess if this variant is too frequent to cause the disease. Based on the score and internal cut-off values, a variant classified as benign is not then subjected to further curation. The score for this variant resulted in a classification of benign for this disease.

Breakthrough Genomics
Classification: Benign. Review status: criteria provided, single submitter. Criteria: ACMG Guidelines, 2015. Collection method: not provided. Allele origin: germline. Inheritance: Autosomal dominant inheritance. Affected: yes.